The following is an entry in ClinVar:

NM_004260.4(RECQL4):c.2687T>C (p.Val896Ala)

Gene: RECQL4 (RecQ like helicase 4; minus strand). Cytogenetic location: 8q24.3.
Variant type: single nucleotide variant.
Coding change: c.2687T>C on transcript NM_004260.4 (MANE Select); coding-DNA position 2687, T replaced by C.
Protein change: p.Val896Ala; replaces valine 896 with alanine.
Molecular consequence: missense variant.
Genome position (GRCh38, 1-based): chr8:144,512,915, A>G on the plus strand (T>C on the coding strand, the complement: RECQL4 is on the minus strand). VCF-style: chr8-144512915-A-G. GRCh37 (hg19) VCF-style: chr8-145738298-A-G.
Other names: short protein forms V896A.
Identifiers: ClinVar variation 576148 (VCV000576148.10), dbSNP rs373763805, ClinGen allele CA4948148.

ClinVar aggregate classification (germline): Uncertain significance. Review status: criteria provided, multiple submitters, no conflicts (2 of 4 stars). 2 submissions from 2 submitters: Uncertain significance (2). Last evaluated 2024-07-08.

Conditions:
Baller-Gerold syndrome (BGS). Also called: CRANIOSYNOSTOSIS WITH RADIAL DEFECTS. Identifiers: Orphanet 1225, MedGen C0265308, MONDO:0009039, OMIM 218600.
Rapadilino syndrome. Identifiers: Orphanet 3021, MedGen C1849453, MONDO:0009955, OMIM 266280.
Rothmund-Thomson syndrome (RTS). Also called: Poikiloderma of Rothmund-Thomson; Poikiloderma Congenitale. Identifiers: Orphanet 2909, MedGen C0032339, MONDO:0010002.

Allele frequency attached by ClinVar (database versions not stated): gnomAD exomes 0.00005 and 0.00007; gnomAD 0.00006 and 0.00007; TOPMed 0.00003; ESP Exome Variant Server 0.00008; ExAC 0.00009; 1000 Genomes Project 30x 0.00031.
gnomAD v4.1: 80 of 1,585,672 alleles (0.005%); highest among the groups gnomAD compares: South Asian, 0.064%; no homozygotes.

Submissions (2):

Labcorp Genetics (formerly Invitae), Labcorp
Classification: Uncertain significance for Baller-Gerold syndrome. Last evaluated: 2024-07-08. Review status: criteria provided, single submitter. Criteria: Invitae Variant Classification Sherloc (09022015). Collection method: clinical testing. Allele origin: germline.
Comment: This sequence change replaces valine, which is neutral and non-polar, with alanine, which is neutral and non-polar, at codon 896 of the RECQL4 protein (p.Val896Ala). This variant is present in population databases (rs373763805, gnomAD 0.04%). This variant has not been reported in the literature in individuals affected with RECQL4-related conditions. ClinVar contains an entry for this variant (Variation ID: 576148). Advanced modeling of protein sequence and biophysical properties (such as structural, functional, and spatial information, amino acid conservation, physicochemical variation, residue mobility, and thermodynamic stability) performed at Invitae indicates that this missense variant is not expected to disrupt RECQL4 protein function with a negative predictive value of 80%. In summary, the available evidence is currently insufficient to determine the role of this variant in disease. Therefore, it has been classified as a Variant of Uncertain Significance.

Fulgent Genetics
Classification: Uncertain significance for Baller-Gerold syndrome; Rapadilino syndrome; Rothmund-Thomson syndrome type 2. Last evaluated: 2018-10-31. Review status: criteria provided, single submitter. Criteria: ACMG Guidelines, 2015. Collection method: clinical testing. Allele origin: unknown.